The following is an entry in ClinVar:

NM_198576.4(AGRN):c.3388+176T>C

Gene: AGRN (agrin; plus strand). Cytogenetic location: 1p36.33.
Variant type: single nucleotide variant.
Coding change: c.3388+176T>C on transcript NM_198576.4 (MANE Select); 176 bases into the intron after coding-DNA position 3388, T replaced by C.
Molecular consequence: intron variant.
Genome position (GRCh38, 1-based): chr1:1,047,133, T>C. VCF-style: chr1-1047133-T-C. GRCh37 (hg19) VCF-style: chr1-982513-T-C.
Other names: c.3388+176T>C (NM_001305275.2); c.3073+176T>C (NM_001364727.2).
Identifiers: ClinVar variation 677952 (VCV000677952.2), dbSNP rs3128101, ClinGen allele CA10829580.

ClinVar aggregate classification (germline): Benign. Review status: criteria provided, multiple submitters, no conflicts (2 of 4 stars). 2 submissions from 2 submitters: Benign (2). Last evaluated 2018-06-16.

Allele frequency attached by ClinVar (database versions not stated): TOPMed 0.90686; gnomAD 0.90880 and 0.91223; 1000 Genomes Project 30x 0.92770; 1000 Genomes Project 0.92871; gnomAD exomes 0.93216.
gnomAD v4.1: 1,263,030 of 1,358,160 alleles (93%); highest among the groups gnomAD compares: East Asian, 100%; 587,881 homozygotes.

Submissions (2):

GeneDx
Classification: Benign. Last evaluated: 2018-06-16. Review status: criteria provided, single submitter. Criteria: GeneDx Variant Classification (06012015). Collection method: clinical testing. Allele origin: germline. Affected: yes.
Comment: This variant is considered likely benign or benign based on one or more of the following criteria: it is a conservative change, it occurs at a poorly conserved position in the protein, it is predicted to be benign by multiple in silico algorithms, and/or has population frequency not consistent with disease.

Breakthrough Genomics
Classification: Benign. Review status: criteria provided, single submitter. Criteria: ACMG Guidelines, 2015. Collection method: not provided. Allele origin: germline. Inheritance: Autosomal recessive inheritance. Affected: yes.